The following is an entry in ClinVar:

ClinVar aggregate classification (germline): Uncertain significance (1 of 4 stars; one submission).

Conditions:
Hajdu-Cheney syndrome (HJCYS). Also called: Acroosteolysis dominant type; SERPENTINE FIBULA-POLYCYSTIC KIDNEY SYNDROME; ACROOSTEOLYSIS WITH OSTEOPOROSIS AND CHANGES IN SKULL AND MANDIBLE. Identifiers: Orphanet 955, MedGen C0917715, MONDO:0007057, OMIM 102500.

Submission:

Labcorp Genetics (formerly Invitae), Labcorp
Classification: Uncertain significance for Hajdu-Cheney syndrome. Last evaluated: 2024-03-27. Review status: criteria provided, single submitter. Criteria: Invitae Variant Classification Sherloc (09022015). Collection method: clinical testing. Allele origin: germline.
Comment: This sequence change replaces glutamine, which is neutral and polar, with histidine, which is basic and polar, at codon 1791 of the NOTCH2 protein (p.Gln1791His). This variant is not present in population databases (gnomAD no frequency). This variant has not been reported in the literature in individuals affected with NOTCH2-related conditions. Advanced modeling of protein sequence and biophysical properties (such as structural, functional, and spatial information, amino acid conservation, physicochemical variation, residue mobility, and thermodynamic stability) has been performed at Invitae for this missense variant, however the output from this modeling did not meet the statistical confidence thresholds required to predict the impact of this variant on NOTCH2 protein function. In summary, the available evidence is currently insufficient to determine the role of this variant in disease. Therefore, it has been classified as a Variant of Uncertain Significance.

NM_024408.4(NOTCH2):c.5373G>C (p.Gln1791His)

Gene: NOTCH2 (notch receptor 2; minus strand). Cytogenetic location: 1p12.
Variant type: single nucleotide variant.
Coding change: c.5373G>C on transcript NM_024408.4 (MANE Select); coding-DNA position 5373, G replaced by C.
Protein change: p.Gln1791His; replaces glutamine 1791 with histidine.
Molecular consequence: missense variant.
Genome position (GRCh38, 1-based): chr1:119,920,335, C>G on the plus strand (G>C on the coding strand, the complement: NOTCH2 is on the minus strand). VCF-style: chr1-119920335-C-G. GRCh37 (hg19) VCF-style: chr1-120462958-C-G.
Other names: short protein forms Q1791H.
Identifiers: ClinVar variation 3676180 (VCV003676180.2).